The following is an entry in ClinVar:

NM_000535.7(PMS2):c.196A>G (p.Ile66Val)

Gene: PMS2 (PMS1 homolog 2, mismatch repair system component; minus strand). Cytogenetic location: 7p22.1.
Variant type: single nucleotide variant.
Coding change: c.196A>G on transcript NM_000535.7 (MANE Select); coding-DNA position 196, A replaced by G.
Protein change: p.Ile66Val; replaces isoleucine 66 with valine.
Molecular consequence: missense variant. On other transcripts: 5 prime UTR variant (44), non-coding transcript variant (1), intron variant (1).
Genome position (GRCh38, 1-based): chr7:6,004,026, T>C on the plus strand (A>G on the coding strand, the complement: PMS2 is on the minus strand). VCF-style: chr7-6004026-T-C. GRCh37 (hg19) VCF-style: chr7-6043657-T-C.
Other names: c.196A>G, p.Ile66Val (NM_001406871.1, NM_001406872.1, NM_001406873.1 and 10 more transcripts); c.-289A>G (NM_001406875.1, NM_001406877.1, NM_001406878.1 and 3 more transcripts); c.-20A>G (NM_001406876.1, NM_001322007.2, NM_001322008.2 and 4 more transcripts); c.-236A>G (NM_001406880.1); c.-186A>G (NM_001406881.1, NM_001406900.1); c.-210A>G (NM_001322003.2, NM_001322004.2, NM_001322005.2 and 13 more transcripts); c.-689A>G (NM_001322011.2, NM_001322012.2); c.382A>G, p.Ile128Val (NM_001406866.1); and 3 more; short protein forms I128V, I66V.
Identifiers: ClinVar variation 5026920 (VCV005026920.1).

ClinVar aggregate classification (germline): Uncertain significance (1 of 4 stars; one submission).

Conditions:
Hereditary cancer-predisposing syndrome. Also called: Neoplastic Syndromes, Hereditary; Tumor predisposition; Hereditary neoplastic syndrome; Hereditary Cancer Syndrome. Identifiers: Orphanet 140162, MedGen C0027672, MeSH D009386, MONDO:0015356.

Submission:

Ambry Genetics
Classification: Uncertain significance for Hereditary cancer-predisposing syndrome. Last evaluated: 2026-07-07. Review status: criteria provided, single submitter. Criteria: Ambry Variant Classification Scheme 2023. Collection method: clinical testing. Allele origin: germline.
Comment: The p.I66V variant (also known as c.196A>G), located in coding exon 3 of the PMS2 gene, results from an A to G substitution at nucleotide position 196. The isoleucine at codon 66 is replaced by valine, an amino acid with highly similar properties. This amino acid position is conserved. In addition, this alteration is predicted to be tolerated by in silico analysis. Based on the available evidence, the clinical significance of this variant remains unclear.